The following is an entry in ClinVar:

NM_006648.4(WNK2):c.1785C>A (p.Asp595Glu)

Gene: WNK2 (WNK lysine deficient protein kinase 2; plus strand). Cytogenetic location: 9q22.31.
Variant type: single nucleotide variant.
Coding change: c.1785C>A on transcript NM_006648.4 (MANE Select); coding-DNA position 1785, C replaced by A.
Protein change: p.Asp595Glu; replaces aspartic acid 595 with glutamic acid.
Molecular consequence: missense variant.
Genome position (GRCh38, 1-based): chr9:93,247,785, C>A. VCF-style: chr9-93247785-C-A. GRCh37 (hg19) VCF-style: chr9-96010067-C-A.
Other names: c.1785C>A, p.Asp595Glu (NM_001282394.3); short protein forms D595E.
Identifiers: ClinVar variation 4605162 (VCV004605162.1).

ClinVar aggregate classification (germline): Uncertain significance (1 of 4 stars; one submission).

gnomAD v4.1: 6 of 1,547,642 alleles (0.00039%); highest among the groups gnomAD compares: Non-Finnish European, 0.00044%; no homozygotes.

Submission:

Ambry Genetics
Classification: Uncertain significance. Last evaluated: 2025-09-17. Review status: criteria provided, single submitter. Criteria: Ambry Variant Classification Scheme 2023. Collection method: clinical testing. Allele origin: germline.
Comment: The p.D595E variant (also known as c.1785C>A), located in coding exon 7 of the WNK2 gene, results from a C to A substitution at nucleotide position 1785. The aspartic acid at codon 595 is replaced by glutamic acid, an amino acid with highly similar properties. This amino acid position is conserved. In addition, the in silico prediction for this alteration is inconclusive. Based on the available evidence, the clinical significance of this variant remains unclear.